The following is an entry in ClinVar:

ClinVar aggregate classification (germline): Likely benign (1 of 4 stars; one submission).

Submission:

CeGaT Center for Human Genetics Tuebingen
Classification: Likely benign. Last evaluated: 2026-04-01. Review status: criteria provided, single submitter. Criteria: CeGaT Center For Human Genetics Tuebingen Variant Classification Criteria Version 2. Collection method: clinical testing. Allele origin: germline. Affected: yes. Observed: 1 variant allele.
Comment: GPRC5B: BS2

NM_016235.3(GPRC5B):c.824C>T (p.Thr275Met)

Gene: GPRC5B (G protein-coupled receptor class C group 5 member B; minus strand). Cytogenetic location: 16p12.3.
Variant type: single nucleotide variant.
Coding change: c.824C>T on transcript NM_016235.3 (MANE Select); coding-DNA position 824, C replaced by T.
Protein change: p.Thr275Met; replaces threonine 275 with methionine.
Molecular consequence: missense variant.
Genome position (GRCh38, 1-based): chr16:19,872,022, G>A on the plus strand (C>T on the coding strand, the complement: GPRC5B is on the minus strand). VCF-style: chr16-19872022-G-A. GRCh37 (hg19) VCF-style: chr16-19883344-G-A.
Other names: c.1217C>T, p.Thr406Met (NM_001304771.1); short protein forms T275M, T406M.
Identifiers: ClinVar variation 4872371 (VCV004872371.2).
Genomic context (GRCh38, chr16:19,872,022, plus strand): 5'-GTGCAGTGGATCTCAGGGATGGCGTGGAAGATGACGAAGACCCAGCCGCTGGCCGCCAGC[G>A]TGATGGCCAAGGTGGGGTCGTTCCAGGCATCCCCCTGCTGCAGCTTGACATTGCCGAAGA-3'
Protein context (NP_057319.1, residues 265-285): DAWNDPTLAI[Thr275Met]LAASGWVFVI